The following is an entry in ClinVar:

NM_172225.2(DMBX1):c.555G>A (p.Glu185=)

Gene: DMBX1 (diencephalon/mesencephalon homeobox 1; plus strand). Cytogenetic location: 1p33.
Variant type: single nucleotide variant.
Coding change: c.555G>A on transcript NM_172225.2 (MANE Select); coding-DNA position 555, G replaced by A.
Protein change: p.Glu185=; no amino-acid change (glutamic acid 185 retained).
Molecular consequence: synonymous variant.
Genome position (GRCh38, 1-based): chr1:46,511,156, G>A. VCF-style: chr1-46511156-G-A. GRCh37 (hg19) VCF-style: chr1-46976828-G-A.
Other names: c.555G>A, p.Glu185= (NM_001387775.1); c.570G>A, p.Glu190= (NM_001387776.1, NM_147192.4).
Identifiers: ClinVar variation 3052275 (VCV003052275.2), dbSNP rs114333846, ClinGen allele CA836695.

ClinVar aggregate classification (germline): Likely benign (0 of 4 stars; one submission).

Conditions:
DMBX1-related disorder. Also called: DMBX1-related condition.

Allele frequency attached by ClinVar (database versions not stated): gnomAD exomes 0.00003; ExAC 0.00013; 1000 Genomes Project 30x 0.00031; gnomAD 0.00036; TOPMed 0.00036; ESP Exome Variant Server 0.00038; 1000 Genomes Project 0.00040.
gnomAD v4.1: 111 of 1,613,944 alleles (0.0069%); highest among the groups gnomAD compares: African/African-American, 0.13%; no homozygotes.

Submission:

PreventionGenetics, part of Exact Sciences
Classification: Likely benign for DMBX1-related condition. Last evaluated: 2022-05-06. Review status: no assertion criteria provided. Collection method: clinical testing. Allele origin: germline.
Comment: This variant is classified as likely benign based on ACMG/AMP sequence variant interpretation guidelines (Richards et al. 2015 PMID: 25741868, with internal and published modifications).